The following is an entry in ClinVar:

NM_017882.3(CLN6):c.*393G>A

Gene: CLN6 (CLN6 transmembrane ER protein; minus strand). Cytogenetic location: 15q23.
Variant type: single nucleotide variant.
Coding change: c.*393G>A on transcript NM_017882.3 (MANE Select); 393 bases downstream of the stop codon, G replaced by A.
Molecular consequence: 3 prime UTR variant.
Genome position (GRCh38, 1-based): chr15:68,207,747, C>T on the plus strand (G>A on the coding strand, the complement: CLN6 is on the minus strand). VCF-style: chr15-68207747-C-T. GRCh37 (hg19) VCF-style: chr15-68500085-C-T.
Identifiers: ClinVar variation 886012 (VCV000886012.5), dbSNP rs114833125, ClinGen allele CA272382370.
Genomic context (GRCh38, chr15:68,207,747, plus strand): 5'-GGGTCAGGGTGGGCCTGAGGGATGAGCCAGGTGGTGGGCAGGTGACACACCAGGTCCCCT[C>T]CTGGCCTCTGCCCCACCCAGCCCTCTCCTGCACGGCTACCAGAAGATGTCCGGGAAGAAC-3'

ClinVar aggregate classification (germline): Likely benign. Review status: criteria provided, multiple submitters, no conflicts (2 of 4 stars). 2 submissions from 2 submitters: Likely benign (2). Last evaluated 2021-05-23.

Conditions:
Neuronal ceroid lipofuscinosis. Also called: Neuronal Ceroid Lipofuscinoses. Identifiers: Orphanet 216, Orphanet 79263, MedGen C0027877, MONDO:0016295. Disease mechanism: loss of function.

Allele frequency attached by ClinVar (database versions not stated): gnomAD exomes 0.00072; gnomAD 0.00515 and 0.00546; TOPMed 0.00582; 1000 Genomes Project 0.00639; 1000 Genomes Project 30x 0.00640.

Submissions (2):

GeneDx
Classification: Likely benign. Last evaluated: 2021-05-23. Review status: criteria provided, single submitter. Criteria: GeneDx Variant Classification Process June 2021. Collection method: clinical testing. Allele origin: germline. Affected: yes.

Illumina Laboratory Services, Illumina
Classification: Likely benign for Neuronal ceroid lipofuscinosis. Last evaluated: 2017-04-27. Review status: criteria provided, single submitter. Criteria: ICSL Variant Classification Criteria 13 December 2019. Collection method: clinical testing. Allele origin: germline.
Comment: This variant was observed as part of a predisposition screen in an ostensibly healthy population. A literature search was performed for the gene, cDNA change, and amino acid change (where applicable). No publications were found based on this search. Allele frequency data from public databases allowed determination this variant is unlikely to cause disease. Therefore, this variant is classified as likely benign.